The following is an entry in ClinVar:

NM_001365951.3(KIF1B):c.2115+7343G>A

Gene: KIF1B (kinesin family member 1B; plus strand). Cytogenetic location: 1p36.22.
Variant type: single nucleotide variant.
Coding change: c.2115+7343G>A on transcript NM_001365951.3 (MANE Select); 7343 bases into the intron after coding-DNA position 2115, G replaced by A.
Molecular consequence: intron variant. On other transcripts: missense variant (2).
Genome position (GRCh38, 1-based): chr1:10,304,589, G>A. VCF-style: chr1-10304589-G-A. GRCh37 (hg19) VCF-style: chr1-10364647-G-A.
Other names: c.3404G>A, p.Arg1135Gln (NM_001365953.1, NM_183416.4); c.1977+7343G>A (NM_015074.3); c.2115+7343G>A (NM_001365952.1); short protein forms R1135Q.
Identifiers: ClinVar variation 2577888 (VCV002577888.2), dbSNP rs1317439961, ClinGen allele CA338328978.
Genomic context (GRCh38, chr1:10,304,589, plus strand): 5'-CTTCCTATCAGAAGCAGACTGACAAACCCAGCCACTGTAGCCAGTTTGTGACACCTCCGC[G>A]GATGAGGAGACAGTTCTCAGCACCCAATCTCAAAGCTGGTCGAGAAACCACAGTATAAAT-3'

ClinVar aggregate classification (germline): Uncertain significance. Review status: criteria provided, multiple submitters, no conflicts (2 of 4 stars). 2 submissions from 2 submitters: Uncertain significance (2). Last evaluated 2024-02-29.

Conditions:
Pheochromocytoma. Also called: MAX-Related Hereditary Paraganglioma-Pheochromocytoma Syndrome. Identifiers: Orphanet 29072, MedGen C0031511, MONDO:0008233, OMIM 171300, HP:0002666.
Neuroblastoma, susceptibility to, 1. Identifiers: MedGen C2749485, MONDO:0009741, OMIM 256700.
Charcot-Marie-Tooth disease type 2A1. Also called: HEREDITARY MOTOR AND SENSORY NEUROPATHY IIA1; CHARCOT-MARIE-TOOTH DISEASE, AXONAL, TYPE 2A1; CHARCOT-MARIE-TOOTH DISEASE, AXONAL, AUTOSOMAL DOMINANT, TYPE 2A1; CHARCOT-MARIE-TOOTH DISEASE, NEURONAL, TYPE 2A1; CHARCOT-MARIE-TOOTH NEUROPATHY, TYPE 2A1. Identifiers: Orphanet 99946, MedGen C1861678, MONDO:0007308, OMIM 118210.

Allele frequency attached by ClinVar (database versions not stated): gnomAD exomes 0.00002; TOPMed 0.00002; gnomAD 0.00003.
gnomAD v4.1: 37 of 1,613,972 alleles (0.0023%); highest among the groups gnomAD compares: East Asian, 0.031%; no homozygotes.

Submissions (2):

Fulgent Genetics
Classification: Uncertain significance for Charcot-Marie-Tooth disease type 2A1; Neuroblastoma, susceptibility to, 1. Last evaluated: 2024-02-29. Review status: criteria provided, single submitter. Criteria: ACMG Guidelines, 2015. Collection method: clinical testing. Allele origin: germline.

St. Jude Molecular Pathology, St. Jude Children's Research Hospital
Classification: Uncertain significance for Pheochromocytoma. Last evaluated: 2023-08-30. Review status: criteria provided, single submitter. Criteria: St. Jude Assertion Criteria 2020. Collection method: clinical testing. Allele origin: germline.
Comment: The KIF1B c.3404G>A (p.Arg1135Gln) missense change has a maximum subpopulation frequency of 0.006% in gnomAD v2.1.1. The in silico tool REVEL is inconclusive about a pathogenic or benign effect of this variant on protein function, and functional studies have not been performed. This variant has not been reported in individuals with pheochromocytoma or neuroblastoma. In summary, the evidence currently available is insufficient to determine the clinical significance of this variant. It has therefore been classified as of uncertain significance.